The following is an entry in ClinVar:

NM_001458.5(FLNC):c.2642-5C>T

Gene: FLNC (filamin C; plus strand). Cytogenetic location: 7q32.1.
Variant type: single nucleotide variant.
Coding change: c.2642-5C>T on transcript NM_001458.5 (MANE Select); 5 bases into the intron before coding-DNA position 2642, C replaced by T.
Molecular consequence: intron variant.
Genome position (GRCh38, 1-based): chr7:128,843,403, C>T. VCF-style: chr7-128843403-C-T. GRCh37 (hg19) VCF-style: chr7-128483457-C-T.
Other names: c.2642-5C>T (NM_001127487.2).
Identifiers: ClinVar variation 4871457 (VCV004871457.1).
Genomic context (GRCh38, chr7:128,843,403, plus strand): 5'-GACTGGCTCGAGGTTGGGGTTAGGTGGCTGCCAGGCCCTCACCACATCTCTGGGTGGGTC[C>T]TCAGGTGTGGAAGTCGGGAAGCCCACCCACTTCACGGTGCTGACCAAGGGAGCCGGCAAG-3'

ClinVar aggregate classification (germline): Uncertain significance (1 of 4 stars; one submission).

Conditions:
Cardiovascular phenotype. Identifiers: MedGen CN230736.

gnomAD v4.1: 4 of 1,613,904 alleles (0.00025%); highest among the groups gnomAD compares: Admixed American, 0.0017%; no homozygotes.

Submission:

Ambry Genetics
Classification: Uncertain significance for Cardiovascular phenotype. Last evaluated: 2026-04-16. Review status: criteria provided, single submitter. Criteria: Ambry Variant Classification Scheme 2023. Collection method: clinical testing. Allele origin: germline.
Comment: The c.2642-5C>T intronic variant results from a C to T substitution 5 nucleotides upstream from coding exon 18 in the FLNC gene. This nucleotide position is not well conserved in available vertebrate species. In silico splice site analysis predicts that this alteration will not have any significant effect on splicing. Based on the available evidence, the clinical significance of this variant remains unclear.